The following is an entry in ClinVar:

NM_001651.4(AQP5):c.4AAG[1] (p.Lys3del)

Genes: AQP5 (aquaporin 5; plus strand), AQP5-AS1 (AQP5 and AQP2 antisense RNA 2; minus strand). Cytogenetic location: 12q13.12.
Variant type: Microsatellite.
Coding change: c.4AAG[1] on transcript NM_001651.4 (MANE Select); one copy of the 3-base unit AAG starting at c.4; the reference has two copies in a row; one copy, 3 bases deleted.
Protein change: p.Lys3del; deletes lysine 3.
Molecular consequence: inframe deletion, initiator codon variant.
Genome position (GRCh38, 1-based): chr12:49,962,024-49,962,026, AAG deleted; deleting any 3 consecutive bases within chr12:49,962,020-49,962,026 gives the same sequence; the position shown is the placement nearest the transcript's 3' end. VCF-style (leftmost placement, unchanged base first): chr12-49962019-TGAA-T. GRCh37 (hg19) VCF-style: chr12-50355802-TGAA-T.
Other names: c.3_5del (NM_001651.4); short protein forms K3del.
Identifiers: ClinVar variation 1645185 (VCV001645185.29), dbSNP rs773025827, ClinGen allele CA6559394.
Genomic context (GRCh38, chr12:49,962,019, plus strand): 5'-CCTGCGACCCAACGGGCGCCCCCCGCCGCGGCAGCTGCCGCCGGGCCCCCGCGGCCACCA[TGAA>T]GAAGGAGGTGTGCTCCGTGGCCTTCCTCAAGGCCGTGTTCGCAGAGTTCTTGGCCACCCT-3'

ClinVar aggregate classification (germline): Conflicting classifications of pathogenicity. Review status: criteria provided, conflicting classifications (1 of 4 stars). 4 submissions from 4 submitters: Uncertain significance (1); Likely benign (2). 1 of the submissions does not count toward it. Last evaluated 2025-10-06.

Conditions:
Palmoplantar keratoderma, Bothnian type. Identifiers: Orphanet 2337, MedGen C1838359, MONDO:0010849, OMIM 600231.
AQP5-related disorder. Also called: AQP5-related condition.

Submissions (4):

Labcorp Genetics (formerly Invitae), Labcorp
Classification: Likely benign. Last evaluated: 2025-10-06. Review status: criteria provided, single submitter. Criteria: Invitae Variant Classification Sherloc (09022015). Collection method: clinical testing. Allele origin: germline.

CeGaT Center for Human Genetics Tuebingen
Classification: Likely benign. Last evaluated: 2024-06-01. Review status: criteria provided, single submitter. Criteria: CeGaT Center For Human Genetics Tuebingen Variant Classification Criteria Version 2. Collection method: clinical testing. Allele origin: germline. Affected: yes. Observed: 1 variant allele.
Comment: AQP5: PM4:Supporting, BS1

Department of Pathology and Laboratory Medicine, Sinai Health System
Classification: Uncertain significance for Palmoplantar keratoderma, Bothnian type. Last evaluated: 2020-06-29. Review status: criteria provided, single submitter. Criteria: ACMG Guidelines, 2015. Collection method: research. Allele origin: germline.

PreventionGenetics, part of Exact Sciences
Classification: Likely benign for AQP5-related condition. Last evaluated: 2020-03-09. Review status: no assertion criteria provided. Collection method: clinical testing. Allele origin: germline. Not counted in ClinVar's aggregate classification.
Comment: This variant is classified as likely benign based on ACMG/AMP sequence variant interpretation guidelines (Richards et al. 2015 PMID: 25741868, with internal and published modifications).